The following is an entry in ClinVar:

NM_000755.5(CRAT):c.1328+4C>T

Gene: CRAT (carnitine O-acetyltransferase; minus strand). Cytogenetic location: 9q34.11.
Variant type: single nucleotide variant.
Coding change: c.1328+4C>T on transcript NM_000755.5 (MANE Select); 4 bases into the intron after coding-DNA position 1328, C replaced by T.
Molecular consequence: intron variant.
Genome position (GRCh38, 1-based): chr9:129,098,245, G>A on the plus strand (C>T on the coding strand, the complement: CRAT is on the minus strand). VCF-style: chr9-129098245-G-A. GRCh37 (hg19) VCF-style: chr9-131860524-G-A.
Other names: c.1208+4C>T (NM_001346549.2); c.1328+4C>T (NM_001346547.2); c.1265+4C>T (NM_001346548.2, NM_001257363.3, NM_004003.4); c.1331+4C>T (NM_001346546.2).
Identifiers: ClinVar variation 1062004 (VCV001062004.7), dbSNP rs370320116, ClinGen allele CA5275420.

ClinVar aggregate classification (germline): Uncertain significance (1 of 4 stars; one submission).

Allele frequency attached by ClinVar (database versions not stated): ESP Exome Variant Server 0.00023; ExAC 0.00033; gnomAD 0.00033; gnomAD exomes 0.00034 and 0.00048; TOPMed 0.00042.
gnomAD v4.1: 739 of 1,613,518 alleles (0.046%); highest among the groups gnomAD compares: Non-Finnish European, 0.059%; 1 homozygote.

Submission:

Labcorp Genetics (formerly Invitae), Labcorp
Classification: Uncertain significance. Last evaluated: 2025-12-08. Review status: criteria provided, single submitter. Criteria: Invitae Variant Classification Sherloc (09022015). Collection method: clinical testing. Allele origin: germline.
Comment: This sequence change falls in intron 10 of the CRAT gene. It does not directly change the encoded amino acid sequence of the CRAT protein. It affects a nucleotide within the consensus splice site. This variant is present in population databases (rs370320116, gnomAD 0.05%), and has an allele count higher than expected for a pathogenic variant. This variant has not been reported in the literature in individuals affected with CRAT-related conditions. ClinVar contains an entry for this variant (Variation ID: 1062004). Variants that disrupt the consensus splice site are a relatively common cause of aberrant splicing (PMID: 17576681, 9536098). Algorithms developed to predict the effect of sequence changes on RNA splicing suggest that this variant is not likely to affect RNA splicing. In summary, the available evidence is currently insufficient to determine the role of this variant in disease. Therefore, it has been classified as a Variant of Uncertain Significance.

Literature cited by the submitters: PubMed 17576681; PubMed 9536098.